The following is an entry in ClinVar:

NM_000439.5(PCSK1):c.1312C>T (p.Arg438Ter)

Genes: CAST (calpastatin; plus strand), PCSK1 (proprotein convertase subtilisin/kexin type 1; minus strand), LOC101929710 (uncharacterized LOC101929710; plus strand). Cytogenetic location: 5q15.
Variant type: single nucleotide variant.
Coding change: c.1312C>T on transcript NM_000439.5 (MANE Select); coding-DNA position 1312, C replaced by T.
Protein change: p.Arg438Ter; replaces arginine 438 with a stop codon.
Molecular consequence: nonsense. On other transcripts: intron variant (11).
Genome position (GRCh38, 1-based): chr5:96,400,071, G>A on the plus strand (C>T on the coding strand, the complement: PCSK1 is on the minus strand). VCF-style: chr5-96400071-G-A. GRCh37 (hg19) VCF-style: chr5-95735775-G-A.
Other names: c.1171C>T, p.Arg391Ter (NM_001177875.2); c.-175+20419G>A (NM_001423254.1, NM_001423259.1, NM_001423255.1 and 6 more transcripts); c.-103+20419G>A (NM_001423253.1); c.-40+20419G>A (NM_001423258.1); c.1312C>T (NM_000439.4); short protein forms R391*, R438*.
Identifiers: ClinVar variation 3384095 (VCV003384095.2).
Genomic context (GRCh38, chr5:96,400,071, plus strand): 5'-AGGTCCTGGGGTCAGCTAAATCCACCAGAGCTTTGGCATTTAGCAAGCCAAATCCAAATC[G>A]ACTATTCACCATCAAGCCTGCTCCATTCTTTTTCCATCCAGGGTTATTGGCCAGCGGGTC-3'

ClinVar aggregate classification (germline): Pathogenic/Likely pathogenic. Review status: criteria provided, multiple submitters, no conflicts (2 of 4 stars). 2 submissions from 2 submitters: Pathogenic (1); Likely pathogenic (1). Last evaluated 2025-07-24.

Conditions:
Obesity. Also called: Obesity disorder. Identifiers: Orphanet 71529, MedGen C0028754, MeSH D009765, MONDO:0011122, HP:0001513.
PCSK1-related disorder. Also called: PCSK1-related condition.

gnomAD v4.1: 7 of 1,614,068 alleles (0.00043%); highest among the groups gnomAD compares: Non-Finnish European, 0.00059%; no homozygotes.

Submissions (2):

PreventionGenetics, part of Exact Sciences
Classification: Pathogenic for PCSK1-related condition. Last evaluated: 2025-07-24. Review status: criteria provided, single submitter. Criteria: ACMG Guidelines, 2015. Collection method: clinical testing. Allele origin: germline.
Comment: The PCSK1 c.1312C>T variant is predicted to result in premature protein termination (p.Arg438*). This variant was reported in the homozygous state in two individuals with features of proprotein convertase 1/3 deficiency (Al-Shamsi et al. 2016. PubMed ID: 27391121; Serra et al. 2020. PubMed ID: 32081864). This variant has not been reported in a large population database (gnomAD), indicating this variant is rare. Nonsense variants in PCSK1 are expected to be pathogenic. This variant is interpreted as pathogenic.

Dubai Health Genomic Medicine Center, Dubai Health
Classification: Likely pathogenic for Obesity. Last evaluated: 2024-10-04. Review status: criteria provided, single submitter. Criteria: ACMG Guidelines, 2015. Collection method: research. Allele origin: germline. Affected: yes.
Comment: PVS1,PM2